The following is an entry in ClinVar:

ClinVar aggregate classification (germline): Conflicting classifications of pathogenicity. Review status: criteria provided, conflicting classifications (1 of 4 stars). 2 submissions from 2 submitters: Uncertain significance (1); Likely benign (1). Last evaluated 2026-01-17.

Conditions:
Hereditary cancer-predisposing syndrome. Also called: Neoplastic Syndromes, Hereditary; Tumor predisposition; Hereditary neoplastic syndrome; Hereditary Cancer Syndrome. Identifiers: Orphanet 140162, MedGen C0027672, MeSH D009386, MONDO:0015356.
Hereditary breast ovarian cancer syndrome. Also called: BRCA1- and BRCA2-Associated Hereditary Breast and Ovarian Cancer; Hereditary breast and ovarian cancer; Hereditary breast and ovarian cancer syndrome; Hereditary breast and/or ovarian cancer syndrome; Hereditary breast and ovarian cancer syndrome (HBOC); Breast and ovarian cancer. Identifiers: Orphanet 145, MedGen C0677776, MeSH D061325, MONDO:0003582. Disease mechanism: loss of function.

Submissions (2):

Labcorp Genetics (formerly Invitae), Labcorp
Classification: Uncertain significance for Hereditary breast ovarian cancer syndrome. Last evaluated: 2026-01-17. Review status: criteria provided, single submitter. Criteria: Invitae Variant Classification Sherloc (09022015). Collection method: clinical testing. Allele origin: germline.
Comment: This sequence change replaces alanine, which is neutral and non-polar, with threonine, which is neutral and polar, at codon 2911 of the BRCA2 protein (p.Ala2911Thr). This variant is not present in population databases (gnomAD no frequency). This variant has not been reported in the literature in individuals affected with BRCA2-related conditions. ClinVar contains an entry for this variant (Variation ID: 1374164). Invitae Evidence Modeling of protein sequence and biophysical properties (such as structural, functional, and spatial information, amino acid conservation, physicochemical variation, residue mobility, and thermodynamic stability) indicates that this missense variant is not expected to disrupt BRCA2 protein function with a negative predictive value of 95%. In summary, the available evidence is currently insufficient to determine the role of this variant in disease. Therefore, it has been classified as a Variant of Uncertain Significance.

Ambry Genetics
Classification: Likely benign for Hereditary cancer-predisposing syndrome. Last evaluated: 2025-05-15. Review status: criteria provided, single submitter. Criteria: Ambry Variant Classification Scheme 2023. Collection method: clinical testing. Allele origin: germline.

NM_000059.4(BRCA2):c.8731G>A (p.Ala2911Thr)

Gene: BRCA2 (BRCA2 DNA repair associated; plus strand). Cytogenetic location: 13q13.1.
Variant type: single nucleotide variant.
Coding change: c.8731G>A on transcript NM_000059.4 (MANE Select); coding-DNA position 8731, G replaced by A.
Protein change: p.Ala2911Thr; replaces alanine 2911 with threonine.
Molecular consequence: missense variant.
Genome position (GRCh38, 1-based): chr13:32,376,768, G>A. VCF-style: chr13-32376768-G-A. GRCh37 (hg19) VCF-style: chr13-32950905-G-A.
Other names: c.8731G>A (NM_000059.3); short protein forms A2911T.
Identifiers: ClinVar variation 1374164 (VCV001374164.10), dbSNP rs2137613329, ClinGen allele CA387755004.
Genomic context (GRCh38, chr13:32,376,768, plus strand): 5'-ACAAGACAGCAAGTTCGTGCTTTGCAAGATGGTGCAGAGCTTTATGAAGCAGTGAAGAAT[G>A]CAGCAGACCCAGCTTACCTTGAGGTGAGAGAGTAAGAGGACATATAATGAGGCTTGATGA-3'
Protein context (NP_000050.3, residues 2901-2921): GAELYEAVKN[Ala2911Thr]ADPAYLEGYF